The following is an entry in ClinVar:

NM_015909.4(NBAS):c.4401A>G (p.Leu1467=)

Gene: NBAS (NBAS subunit of NRZ tethering complex; minus strand). Cytogenetic location: 2p24.3.
Variant type: single nucleotide variant.
Coding change: c.4401A>G on transcript NM_015909.4 (MANE Select); coding-DNA position 4401, A replaced by G.
Protein change: p.Leu1467=; no amino-acid change (leucine 1467 retained).
Molecular consequence: synonymous variant. On other transcripts: non-coding transcript variant (1).
Genome position (GRCh38, 1-based): chr2:15,328,259, T>C on the plus strand (A>G on the coding strand, the complement: NBAS is on the minus strand). VCF-style: chr2-15328259-T-C. GRCh37 (hg19) VCF-style: chr2-15468383-T-C.
Identifiers: ClinVar variation 3029224 (VCV003029224.3), dbSNP rs781152225, ClinGen allele CA1535660.

ClinVar aggregate classification (germline): Likely benign. Review status: criteria provided, single submitter (1 of 4 stars). 2 submissions from 2 submitters: Likely benign (1). 1 of the submissions does not count toward it. Last evaluated 2025-11-08.

Conditions:
NBAS-related disorder. Also called: NBAS-related condition.

Allele frequency attached by ClinVar (database versions not stated): gnomAD 0.00002; TOPMed 0.00002; ExAC 0.00003; gnomAD exomes 0.00008.
gnomAD v4.1: 112 of 1,613,844 alleles (0.0069%); highest among the groups gnomAD compares: Non-Finnish European, 0.0093%; no homozygotes.

Submissions (2):

Labcorp Genetics (formerly Invitae), Labcorp
Classification: Likely benign. Last evaluated: 2025-11-08. Review status: criteria provided, single submitter. Criteria: Invitae Variant Classification Sherloc (09022015). Collection method: clinical testing. Allele origin: germline.

PreventionGenetics, part of Exact Sciences
Classification: Likely benign for NBAS-related condition. Last evaluated: 2021-09-17. Review status: no assertion criteria provided. Collection method: clinical testing. Allele origin: germline. Not counted in ClinVar's aggregate classification.
Comment: This variant is classified as likely benign based on ACMG/AMP sequence variant interpretation guidelines (Richards et al. 2015 PMID: 25741868, with internal and published modifications).